The following is an entry in ClinVar:

ClinVar aggregate classification (germline): Likely benign. Review status: criteria provided, multiple submitters, no conflicts (2 of 4 stars). 4 submissions from 4 submitters: Likely benign (3). 1 of the submissions does not count toward it. Last evaluated 2026-01-24.

Conditions:
TTN-related disorder. Also called: TTN-related disorders; TTN-related condition; TTN-related disease.
Cardiovascular phenotype. Identifiers: MedGen CN230736.
Dilated cardiomyopathy 1G (CMD1G). Identifiers: Orphanet 154, MedGen C1858763, MONDO:0011400, OMIM 604145.
Autosomal recessive limb-girdle muscular dystrophy type 2J (LGMDR10). Also called: Limb-girdle muscular dystrophy, type 2J; MUSCULAR DYSTROPHY, LIMB-GIRDLE, AUTOSOMAL RECESSIVE 10. Identifiers: Orphanet 140922, MedGen C1837342, MONDO:0012127, OMIM 608807.

Allele frequency attached by ClinVar (database versions not stated): ExAC 0.00001; gnomAD exomes 0.00001; TOPMed 0.00001; gnomAD 0.00002 and 0.00003.
gnomAD v4.1: 18 of 1,613,144 alleles (0.0011%); highest among the groups gnomAD compares: African/African-American, 0.017%; 1 homozygote.

Submissions (4):

Labcorp Genetics (formerly Invitae), Labcorp
Classification: Likely benign for Dilated cardiomyopathy 1G; Autosomal recessive limb-girdle muscular dystrophy type 2J. Last evaluated: 2026-01-24. Review status: criteria provided, single submitter. Criteria: Invitae Variant Classification Sherloc (09022015). Collection method: clinical testing. Allele origin: germline.

Ambry Genetics
Classification: Likely benign for Cardiovascular phenotype. Last evaluated: 2023-02-27. Review status: criteria provided, single submitter. Criteria: Ambry Variant Classification Scheme 2023. Collection method: clinical testing. Allele origin: germline.

Laboratory for Molecular Medicine, Mass General Brigham Personalized Medicine
Classification: Likely benign. Last evaluated: 2014-06-30. Review status: criteria provided, single submitter. Criteria: LMM Criteria. Collection method: clinical testing. Allele origin: germline. Observed: 1 variant allele.
Comment: Asp24531Asp in exon 275 of TTN: This variant is not expected to have clinical si gnificance because it does not alter an amino acid residue and is not located wi thin the splice consensus sequence.

PreventionGenetics, part of Exact Sciences
Classification: Likely benign for TTN-related condition. Last evaluated: 2023-12-11. Review status: no assertion criteria provided. Collection method: clinical testing. Allele origin: germline. Not counted in ClinVar's aggregate classification.
Comment: This variant is classified as likely benign based on ACMG/AMP sequence variant interpretation guidelines (Richards et al. 2015 PMID: 25741868, with internal and published modifications).

NM_001267550.2(TTN):c.81297T>C (p.Asp27099=)

Genes: TTN (titin; minus strand), TTN-AS1 (TTN antisense RNA 1; plus strand). Cytogenetic location: 2q31.2.
Variant type: single nucleotide variant.
Coding change: c.81297T>C on transcript NM_001267550.2 (MANE Select); coding-DNA position 81297, T replaced by C.
Protein change: p.Asp27099=; no amino-acid change (aspartic acid 27099 retained).
Molecular consequence: synonymous variant.
Genome position (GRCh38, 1-based): chr2:178,564,835, A>G on the plus strand (T>C on the coding strand, the complement: TTN is on the minus strand). VCF-style: chr2-178564835-A-G. GRCh37 (hg19) VCF-style: chr2-179429562-A-G.
Other names: c.76374T>C, p.Asp25458= (NM_001256850.1); c.54102T>C, p.Asp18034= (NM_003319.4); c.54477T>C, p.Asp18159= (NM_133432.3); c.54678T>C, p.Asp18226= (NM_133437.4); c.73593T>C, p.Asp24531= (NM_133378.4).
Identifiers: ClinVar variation 179797 (VCV000179797.16), dbSNP rs727505134, ClinGen allele CA185155.